The following is an entry in ClinVar:

ClinVar aggregate classification (germline): Uncertain significance (1 of 4 stars; one submission).

Conditions:
WARS1-related disorder. Also called: WARS1-related condition.

Submission:

PreventionGenetics, part of Exact Sciences
Classification: Uncertain significance for WARS1-related condition. Last evaluated: 2024-12-03. Review status: criteria provided, single submitter. Criteria: ACMG Guidelines, 2015. Collection method: clinical testing. Allele origin: germline.
Comment: The WARS1 c.1192G>A variant is predicted to result in the amino acid substitution p.Val398Met. To our knowledge, this variant has not been reported in the literature or in a large population database (gnomAD), indicating this variant is rare. At this time, the clinical significance of this variant is uncertain due to the absence of conclusive functional and genetic evidence.

NM_004184.4(WARS1):c.1192G>A (p.Val398Met)

Gene: WARS1 (tryptophanyl-tRNA synthetase 1; minus strand). Cytogenetic location: 14q32.2.
Variant type: single nucleotide variant.
Coding change: c.1192G>A on transcript NM_004184.4 (MANE Select); coding-DNA position 1192, G replaced by A.
Protein change: p.Val398Met; replaces valine 398 with methionine.
Molecular consequence: missense variant.
Genome position (GRCh38, 1-based): chr14:100,337,124, C>T on the plus strand (G>A on the coding strand, the complement: WARS1 is on the minus strand). VCF-style: chr14-100337124-C-T. GRCh37 (hg19) VCF-style: chr14-100803461-C-T.
Other names: c.1192G>A, p.Val398Met (NM_173701.2); c.1069G>A, p.Val357Met (NM_213645.2, NM_213646.2); short protein forms V398M, V357M.
Identifiers: ClinVar variation 4979546 (VCV004979546.1).